The following is an entry in ClinVar:

NM_020529.3(NFKBIA):c.944T>G (p.Leu315Arg)

Gene: NFKBIA (NFKB inhibitor alpha; minus strand). Cytogenetic location: 14q13.2.
Variant type: single nucleotide variant.
Coding change: c.944T>G on transcript NM_020529.3 (MANE Select); coding-DNA position 944, T replaced by G.
Protein change: p.Leu315Arg; replaces leucine 315 with arginine.
Molecular consequence: missense variant.
Genome position (GRCh38, 1-based): chr14:35,402,023, A>C on the plus strand (T>G on the coding strand, the complement: NFKBIA is on the minus strand). VCF-style: chr14-35402023-A-C. GRCh37 (hg19) VCF-style: chr14-35871229-A-C.
Other names: c.944T>G (NM_020529.2); short protein forms L315R.
Identifiers: ClinVar variation 1511599 (VCV001511599.9), dbSNP rs761313156, ClinGen allele CA7155298.

ClinVar aggregate classification (germline): Uncertain significance. Review status: criteria provided, multiple submitters, no conflicts (2 of 4 stars). 2 submissions from 2 submitters: Uncertain significance (2). Last evaluated 2026-01-27.

Conditions:
Ectodermal dysplasia and immunodeficiency 2. Identifiers: Orphanet 238468, Orphanet 98813, MedGen C2677481, MONDO:0012806, OMIM 612132.
Inborn genetic diseases. Identifiers: MedGen C0950123, MeSH D030342.

Allele frequency attached by ClinVar (database versions not stated): gnomAD 0.00001; gnomAD exomes 0.00001 and 0.00002; TOPMed 0.00001; ExAC 0.00002.
gnomAD v4.1: 13 of 1,613,980 alleles (0.00081%); highest among the groups gnomAD compares: Middle Eastern, 0.033%; no homozygotes.

Submissions (2):

Labcorp Genetics (formerly Invitae), Labcorp
Classification: Uncertain significance for Ectodermal dysplasia and immunodeficiency 2. Last evaluated: 2026-01-27. Review status: criteria provided, single submitter. Criteria: Invitae Variant Classification Sherloc (09022015). Collection method: clinical testing. Allele origin: germline.
Comment: This sequence change replaces leucine, which is neutral and non-polar, with arginine, which is basic and polar, at codon 315 of the NFKBIA protein (p.Leu315Arg). This variant is present in population databases (rs761313156, gnomAD 0.003%). This variant has not been reported in the literature in individuals affected with NFKBIA-related conditions. ClinVar contains an entry for this variant (Variation ID: 1511599). An algorithm developed to predict the effect of missense changes on protein structure and function (PolyPhen-2) suggests that this variant is likely to be disruptive. In summary, the available evidence is currently insufficient to determine the role of this variant in disease. Therefore, it has been classified as a Variant of Uncertain Significance.

Ambry Genetics
Classification: Uncertain significance for Inborn genetic diseases. Last evaluated: 2022-11-21. Review status: criteria provided, single submitter. Criteria: Ambry Variant Classification Scheme 2023. Collection method: clinical testing. Allele origin: germline.